The following is an entry in ClinVar:

NM_002576.5(PAK1):c.732G>T (p.Lys244Asn)

Gene: PAK1 (p21 (RAC1) activated kinase 1; minus strand). Cytogenetic location: 11q13.5.
Variant type: single nucleotide variant.
Coding change: c.732G>T on transcript NM_002576.5 (MANE Select); coding-DNA position 732, G replaced by T.
Protein change: p.Lys244Asn; replaces lysine 244 with asparagine.
Molecular consequence: missense variant. On other transcripts: non-coding transcript variant (2), intron variant (1).
Genome position (GRCh38, 1-based): chr11:77,355,708, C>A on the plus strand (G>T on the coding strand, the complement: PAK1 is on the minus strand). VCF-style: chr11-77355708-C-A. GRCh37 (hg19) VCF-style: chr11-77066753-C-A.
Other names: c.732G>T, p.Lys244Asn (NM_001128620.2, NM_001376268.1, NM_001376269.1 and 25 more transcripts); c.753G>T, p.Lys251Asn (NM_001376272.1); c.483G>T, p.Lys161Asn (NM_001376301.1); c.438G>T, p.Lys146Asn (NM_001376302.1, NM_001376304.1, NM_001376305.1); c.597+3190G>T (NM_001376303.1); short protein forms K146N, K161N, K244N, K251N.
Identifiers: ClinVar variation 3062178 (VCV003062178.2), dbSNP rs2540377215, ClinGen allele CA382167262.

ClinVar aggregate classification (germline): Uncertain significance (1 of 4 stars; one submission).

Allele frequency attached by ClinVar (database versions not stated): gnomAD exomes below 0.00001.
gnomAD v4.1: 1 of 1,613,704 alleles (0.000062%); highest among the groups gnomAD compares: Non-Finnish European, 0.000085%; no homozygotes.

Submission:

Centre of Medical Genetics, University Hospital Muenster
Classification: Uncertain significance. Last evaluated: 2023-05-30. Review status: criteria provided, single submitter. Criteria: ACMG Guidelines, 2015. Collection method: clinical testing. Allele origin: unknown. Affected: yes. Observed: 1 variant allele, 1 heterozygote.
Comment: ACMG categories: PM2,PP2